The following is an entry in ClinVar:

ClinVar aggregate classification (germline): Uncertain significance (1 of 4 stars; one submission).

Submission:

GeneDx
Classification: Uncertain significance. Last evaluated: 2026-02-03. Review status: criteria provided, single submitter. Criteria: GeneDx Variant Classification Process June 2021. Collection method: clinical testing. Allele origin: germline.
Comment: Nonsense variant predicted to result in protein truncation or nonsense mediated decay in a gene for which loss of function is a known mechanism of disease; Has not been previously published as pathogenic or benign to our knowledge

NM_014865.4(NCAPD2):c.1609C>T (p.Arg537Ter)

Gene: NCAPD2 (non-SMC condensin I complex subunit D2; plus strand). Cytogenetic location: 12p13.31.
Variant type: single nucleotide variant.
Coding change: c.1609C>T on transcript NM_014865.4 (MANE Select); coding-DNA position 1609, C replaced by T.
Protein change: p.Arg537Ter; replaces arginine 537 with a stop codon.
Molecular consequence: nonsense.
Genome position (GRCh38, 1-based): chr12:6,521,005, C>T. VCF-style: chr12-6521005-C-T. GRCh37 (hg19) VCF-style: chr12-6630171-C-T.
Other names: short protein forms R537*.
Identifiers: ClinVar variation 4976002 (VCV004976002.1).